The following is an entry in ClinVar:

NM_001148.6(ANK2):c.744G>A (p.Val248=)

Gene: ANK2 (ankyrin 2; plus strand). Cytogenetic location: 4q26.
Variant type: single nucleotide variant.
Coding change: c.744G>A on transcript NM_001148.6 (MANE Select); coding-DNA position 744, G replaced by A.
Protein change: p.Val248=; no amino-acid change (valine 248 retained).
Molecular consequence: synonymous variant.
Genome position (GRCh38, 1-based): chr4:113,240,535, G>A. VCF-style: chr4-113240535-G-A. GRCh37 (hg19) VCF-style: chr4-114161691-G-A.
Other names: c.681G>A, p.Val227= (NM_001127493.3, NM_001354239.2, NM_001354243.2 and 14 more transcripts); c.744G>A, p.Val248= (NM_001354225.2, NM_001354228.2, NM_001354232.2 and 9 more transcripts); c.789G>A, p.Val263= (NM_001354230.2, NM_001354231.2, NM_001354237.2 and 5 more transcripts); c.657G>A, p.Val219= (NM_001354249.2, NM_001354260.2, NM_001354264.2 and 16 more transcripts); c.702G>A, p.Val234= (NM_001354261.2, NM_001386147.1, NM_001386160.1); c.732G>A, p.Val244= (NM_001354269.3, NM_001386148.2, NM_001386186.2); c.795G>A, p.Val265= (NM_001386174.1); c.771G>A, p.Val257= (NM_001386175.1); and 1 more.
Identifiers: ClinVar variation 578685 (VCV000578685.9), dbSNP rs201208094, ClinGen allele CA3050105.

ClinVar aggregate classification (germline): Likely benign. Review status: criteria provided, multiple submitters, no conflicts (2 of 4 stars). 3 submissions from 3 submitters: Likely benign (3). Last evaluated 2026-09-01.

Conditions:
Cardiovascular phenotype. Identifiers: MedGen CN230736.
Long QT syndrome (LQTS). Identifiers: MedGen C0023976, MeSH D008133, MONDO:0002442. Disease mechanism: loss of function. Inheritance: Various modes of inheritance.

Allele frequency attached by ClinVar (database versions not stated): gnomAD exomes 0.00001; ExAC 0.00002; gnomAD 0.00006; TOPMed 0.00020; 1000 Genomes Project 0.00040; 1000 Genomes Project 30x 0.00047.
gnomAD v4.1: 19 of 1,613,922 alleles (0.0012%); highest among the groups gnomAD compares: Admixed American, 0.025%; no homozygotes.

Submissions (3):

CeGaT Center for Human Genetics Tuebingen
Classification: Likely benign. Last evaluated: 2026-09-01. Review status: criteria provided, single submitter. Criteria: CeGaT Center For Human Genetics Tuebingen Variant Classification Criteria Version 2. Collection method: clinical testing. Allele origin: germline. Affected: yes. Observed: 1 variant allele.
Comment: ANK2: BP4, BP7

Labcorp Genetics (formerly Invitae), Labcorp
Classification: Likely benign for Long QT syndrome. Last evaluated: 2025-10-30. Review status: criteria provided, single submitter. Criteria: Invitae Variant Classification Sherloc (09022015). Collection method: clinical testing. Allele origin: germline.

Ambry Genetics
Classification: Likely benign for Cardiovascular phenotype. Last evaluated: 2020-11-01. Review status: criteria provided, single submitter. Criteria: Ambry Variant Classification Scheme 2023. Collection method: clinical testing. Allele origin: germline.